The following is an entry in ClinVar:

ClinVar aggregate classification (germline): Benign/Likely benign. Review status: criteria provided, multiple submitters, no conflicts (2 of 4 stars). 5 submissions from 5 submitters: Benign (1); Likely benign (2). 2 of the submissions do not count toward it. Last evaluated 2025-02-27.

Conditions:
Dilated cardiomyopathy 1KK (CMD1KK). Identifiers: Orphanet 154, Orphanet 75249, MedGen C3714995, MONDO:0014100, OMIM 615248.

Allele frequency attached by ClinVar (database versions not stated): gnomAD exomes below 0.00001 and 0.00001; ExAC 0.00001; gnomAD 0.00001; TOPMed 0.00002; ESP Exome Variant Server 0.00008.
gnomAD v4.1: 15 of 1,612,262 alleles (0.00093%); highest among the groups gnomAD compares: African/African-American, 0.0013%; no homozygotes.

Submissions (5):

Labcorp Genetics (formerly Invitae), Labcorp
Classification: Likely benign for Dilated cardiomyopathy 1KK. Last evaluated: 2025-02-27. Review status: criteria provided, single submitter. Criteria: Invitae Variant Classification Sherloc (09022015). Collection method: clinical testing. Allele origin: germline.

GeneDx
Classification: Likely benign. Last evaluated: 2016-09-13. Review status: criteria provided, single submitter. Criteria: GeneDx Variant Classification (06012015). Collection method: clinical testing. Allele origin: germline. Affected: yes.
Comment: This variant is considered likely benign or benign based on one or more of the following criteria: it is a conservative change, it occurs at a poorly conserved position in the protein, it is predicted to be benign by multiple in silico algorithms, and/or has population frequency not consistent with disease.

Clinical Genetics DNA and cytogenetics Diagnostics Lab, Erasmus MC, Erasmus Medical Center
Classification: Benign for Dilated cardiomyopathy 1KK. Last evaluated: 2015-09-21. Review status: criteria provided, single submitter. Criteria: ACGS Guidelines, 2013. Collection method: clinical testing. Allele origin: germline. Affected: yes. Study: VKGL Data-share Consensus.

Clinical Genetics, Academic Medical Center
Classification: Benign. Review status: no assertion criteria provided. Collection method: clinical testing. Allele origin: germline. Affected: yes. Study: VKGL Data-share Consensus. Not counted in ClinVar's aggregate classification.

Diagnostic Laboratory, Department of Genetics, University Medical Center Groningen
Classification: Likely benign for Dilated cardiomyopathy 1KK. Review status: no assertion criteria provided. Collection method: clinical testing. Allele origin: germline. Affected: yes. Study: VKGL Data-share Consensus. Not counted in ClinVar's aggregate classification.

NM_032578.4(MYPN):c.3075+20C>T

Genes: MYPN (myopalladin; plus strand), LOC132089829 (Neanderthal introgressed variant-containing enhancer experimental_16132; plus strand). Cytogenetic location: 10q21.3.
Variant type: single nucleotide variant.
Coding change: c.3075+20C>T on transcript NM_032578.4 (MANE Select); 20 bases into the intron after coding-DNA position 3075, C replaced by T.
Molecular consequence: intron variant.
Genome position (GRCh38, 1-based): chr10:68,194,532, C>T. VCF-style: chr10-68194532-C-T. GRCh37 (hg19) VCF-style: chr10-69954289-C-T.
Other names: c.3075+20C>T (NM_001256267.2); c.2193+20C>T (NM_001256268.2).
Identifiers: ClinVar variation 389357 (VCV000389357.12), dbSNP rs377273417, ClinGen allele CA5522933.